The following is an entry in ClinVar:

NM_000051.4(ATM):c.6862G>A (p.Val2288Ile)

Genes: ATM (ATM serine/threonine kinase; plus strand), C11orf65 (chromosome 11 open reading frame 65; minus strand). Cytogenetic location: 11q22.3.
Variant type: single nucleotide variant.
Coding change: c.6862G>A on transcript NM_000051.4 (MANE Select); coding-DNA position 6862, G replaced by A.
Protein change: p.Val2288Ile; replaces valine 2288 with isoleucine.
Molecular consequence: missense variant. On other transcripts: intron variant (2).
Genome position (GRCh38, 1-based): chr11:108,326,112, G>A. VCF-style: chr11-108326112-G-A. GRCh37 (hg19) VCF-style: chr11-108196839-G-A.
Other names: c.6862G>A, p.Val2288Ile (NM_001351834.2); c.641-17041C>T (NM_001330368.2); c.*38+9108C>T (NM_001351110.2); short protein forms V2288I.
Identifiers: ClinVar variation 4747249 (VCV004747249.1).

ClinVar aggregate classification (germline): Uncertain significance (1 of 4 stars; one submission).

Conditions:
Ataxia-telangiectasia syndrome (AT). Also called: LOUIS-BAR SYNDROME; Cerebello-oculocutaneous telangiectasia; Immunodeficiency with ataxia telangiectasia; Ataxia-telangiectasia, complementation group D; AT, COMPLEMENTATION GROUP C; ATAXIA-TELANGIECTASIA, COMPLEMENTATION GROUP A. Identifiers: Orphanet 100, MedGen C0004135, MONDO:0008840, OMIM 208900.

Submission:

Labcorp Genetics (formerly Invitae), Labcorp
Classification: Uncertain significance for Ataxia-telangiectasia syndrome. Last evaluated: 2025-02-09. Review status: criteria provided, single submitter. Criteria: Invitae Variant Classification Sherloc (09022015). Collection method: clinical testing. Allele origin: germline.
Comment: This sequence change replaces valine, which is neutral and non-polar, with isoleucine, which is neutral and non-polar, at codon 2288 of the ATM protein (p.Val2288Ile). This variant is not present in population databases (gnomAD no frequency). This variant has not been reported in the literature in individuals affected with ATM-related conditions. Invitae Evidence Modeling of protein sequence and biophysical properties (such as structural, functional, and spatial information, amino acid conservation, physicochemical variation, residue mobility, and thermodynamic stability) indicates that this missense variant is not expected to disrupt ATM protein function with a negative predictive value of 95%. In summary, the available evidence is currently insufficient to determine the role of this variant in disease. Therefore, it has been classified as a Variant of Uncertain Significance.